The following is an entry in ClinVar:

NM_003000.3(SDHB):c.596A>G (p.Tyr199Cys)

Gene: SDHB (succinate dehydrogenase complex iron sulfur subunit B; minus strand). Cytogenetic location: 1p36.13.
Variant type: single nucleotide variant.
Coding change: c.596A>G on transcript NM_003000.3 (MANE Select); coding-DNA position 596, A replaced by G.
Protein change: p.Tyr199Cys; replaces tyrosine 199 with cysteine.
Molecular consequence: missense variant.
Genome position (GRCh38, 1-based): chr1:17,024,019, T>C on the plus strand (A>G on the coding strand, the complement: SDHB is on the minus strand). VCF-style: chr1-17024019-T-C. GRCh37 (hg19) VCF-style: chr1-17350514-T-C.
Other names: short protein forms Y199C.
Identifiers: ClinVar variation 941997 (VCV000941997.5), dbSNP rs2077978220, ClinGen allele CA338271086.
Genomic context (GRCh38, chr1:17,024,019, plus strand): 5'-AAGGAGCACCTCACCTGCATAAGAACTGCAGGCCCCAGATATTTGTCTCCGTTCCACCAG[T>C]AGCTGGGGCAGCTGGTGCTACAGCAGGCACAGAGAATGCACTCGTAGAGCCCGTCCTGTA-3'
Protein context (NP_002991.2, residues 189-209): CACCSTSCPS[Tyr199Cys]WWNGDKYLGP

ClinVar aggregate classification (germline): Conflicting classifications of pathogenicity. Review status: criteria provided, conflicting classifications (1 of 4 stars). 2 submissions from 2 submitters: Likely pathogenic (1); Uncertain significance (1). Last evaluated 2024-12-09.

Conditions:
Hereditary cancer-predisposing syndrome. Also called: Hereditary neoplastic syndrome; Neoplastic Syndromes, Hereditary; Hereditary Cancer Syndrome; Tumor predisposition. Identifiers: Orphanet 140162, MedGen C0027672, MeSH D009386, MONDO:0015356.
Gastrointestinal stromal tumor. Also called: Gastrointestinal stromal tumor, somatic; Gastrointestinal stroma tumor. Identifiers: Orphanet 44890, MedGen C0238198, MeSH D046152, MONDO:0011719, OMIM 606764, HP:0100723.
Pheochromocytoma/paraganglioma syndrome 4. Also called: CAROTID BODY TUMORS AND MULTIPLE EXTRAADRENAL PHEOCHROMOCYTOMAS; SDHB-Related Hereditary Paraganglioma-Pheochromocytoma Syndrome; Paragangliomas 4; SDHB-Related Hereditary Paraganglioma-Pheochromocytoma Syndrome (Paragangliomas 4); PARAGANGLIOMA, FAMILIAL MALIGNANT; PARAGANGLIOMAS, HEREDITARY EXTRAADRENAL. Identifiers: Orphanet 29072, MedGen C1861848, MONDO:0007273, OMIM 115310.
Pheochromocytoma. Also called: MAX-Related Hereditary Paraganglioma-Pheochromocytoma Syndrome. Identifiers: Orphanet 29072, MedGen C0031511, MONDO:0008233, OMIM 171300, HP:0002666.

Submissions (2):

Ambry Genetics
Classification: Likely pathogenic for Hereditary cancer-predisposing syndrome. Last evaluated: 2024-12-09. Review status: criteria provided, single submitter. Criteria: Ambry Variant Classification Scheme 2023. Collection method: clinical testing. Allele origin: germline.
Comment: The p.Y199C variant (also known as c.596A>G), located in coding exon 6 of the SDHB gene, results from an A to G substitution at nucleotide position 596. The tyrosine at codon 199 is replaced by cysteine, an amino acid with highly dissimilar properties. This amino acid position is highly conserved in available vertebrate species. In addition, this alteration is predicted to be deleterious by in silico analysis. This variant is considered to be rare based on population cohorts in the Genome Aggregation Database (gnomAD). Based on the majority of available evidence to date, this variant is likely to be pathogenic.

Labcorp Genetics (formerly Invitae), Labcorp
Classification: Uncertain significance for Gastrointestinal stromal tumor; Pheochromocytoma/paraganglioma syndrome 4; Pheochromocytoma. Last evaluated: 2023-08-25. Review status: criteria provided, single submitter. Criteria: Invitae Variant Classification Sherloc (09022015). Collection method: clinical testing. Allele origin: germline.
Comment: Advanced modeling of protein sequence and biophysical properties (such as structural, functional, and spatial information, amino acid conservation, physicochemical variation, residue mobility, and thermodynamic stability) performed at Invitae indicates that this missense variant is expected to disrupt SDHB protein function. In summary, the available evidence is currently insufficient to determine the role of this variant in disease. Therefore, it has been classified as a Variant of Uncertain Significance. ClinVar contains an entry for this variant (Variation ID: 941997). This variant has not been reported in the literature in individuals affected with SDHB-related conditions. This variant is not present in population databases (gnomAD no frequency). This sequence change replaces tyrosine, which is neutral and polar, with cysteine, which is neutral and slightly polar, at codon 199 of the SDHB protein (p.Tyr199Cys).